The following is an entry in ClinVar:

ClinVar aggregate classification (germline): Uncertain significance (1 of 4 stars; one submission).

Conditions:
Malignant hyperthermia, susceptibility to, 1 (MHS1). Also called: RYR1-Related Malignant Hyperthermia Susceptibility; Malignant hyperthermia suceptibility 1; Anesthesia related hyperthermia; Malignant hyperpyrexia; Fulminating hyperpyrexia; Pharmacogenic myopathy. Identifiers: Orphanet 423, MedGen C2930980, MONDO:0007783, OMIM 145600.

gnomAD v4.1: 1 of 1,613,446 alleles (0.000062%); highest among the groups gnomAD compares: Non-Finnish European, 0.000085%; no homozygotes.

Submission:

Color Diagnostics, LLC DBA Color Health
Classification: Uncertain significance for Malignant hyperthermia, susceptibility to, 1. Last evaluated: 2025-06-23. Review status: criteria provided, single submitter. Criteria: ACMG Guidelines, 2015. Collection method: clinical testing. Allele origin: germline.
Comment: This missense variant replaces arginine with cysteine at codon 3380 of the RYR1 protein. Computational prediction suggests that this variant may have deleterious impact on protein structure and function. To our knowledge, functional studies have not been reported for this variant. This variant has not been reported in individuals affected with RYR1-related disorders in the literature. This variant has been identified in 1/248014 chromosomes in the general population by the Genome Aggregation Database (gnomAD). The available evidence is insufficient to determine the role of this variant in disease conclusively. Therefore, this variant is classified as a Variant of Uncertain Significance.

NM_000540.3(RYR1):c.10138C>T (p.Arg3380Cys)

Gene: RYR1 (ryanodine receptor 1; plus strand). Cytogenetic location: 19q13.2.
Variant type: single nucleotide variant.
Coding change: c.10138C>T on transcript NM_000540.3 (MANE Select); coding-DNA position 10138, C replaced by T.
Protein change: p.Arg3380Cys; replaces arginine 3380 with cysteine.
Molecular consequence: missense variant.
Genome position (GRCh38, 1-based): chr19:38,519,333, C>T. VCF-style: chr19-38519333-C-T. GRCh37 (hg19) VCF-style: chr19-39009973-C-T.
Other names: c.10138C>T, p.Arg3380Cys (NM_001042723.2); short protein forms R3380C.
Identifiers: ClinVar variation 4758498 (VCV004758498.1).
Genomic context (GRCh38, chr19:38,519,333, plus strand): 5'-CCAACTATCGGGCGGCTGCGCAAGAGGGCAGGGAAGGTGGTGTCCGAGGAGGAGCAGCTG[C>T]GCCTGGAGGCCAAGGCGGAGGCCCAGGAGGGCGAGCTGCTGGTGCGGGACGAGTTCTCTG-3'
Protein context (NP_000531.2, residues 3370-3390): GKVVSEEEQL[Arg3380Cys]LEAKAEAQEG